The following is an entry in ClinVar:

ClinVar aggregate classification (germline): Uncertain significance (1 of 4 stars; one submission).

Conditions:
Hereditary cancer-predisposing syndrome. Also called: Hereditary Cancer Syndrome; Hereditary neoplastic syndrome; Neoplastic Syndromes, Hereditary; Tumor predisposition. Identifiers: Orphanet 140162, MedGen C0027672, MeSH D009386, MONDO:0015356.

Submission:

Ambry Genetics
Classification: Uncertain significance for Hereditary cancer-predisposing syndrome. Last evaluated: 2026-08-12. Review status: criteria provided, single submitter. Criteria: Ambry Variant Classification Scheme 2023. Collection method: clinical testing. Allele origin: germline.
Comment: The p.F155S variant (also known as c.464T>C), located in coding exon 4 of the TSC1 gene, results from a T to C substitution at nucleotide position 464. The phenylalanine at codon 155 is replaced by serine, an amino acid with highly dissimilar properties. This amino acid position is conserved. In addition, this alteration is predicted to be deleterious by in silico analysis. Based on the available evidence, the clinical significance of this variant remains unclear.

NM_000368.5(TSC1):c.464T>C (p.Phe155Ser)

Gene: TSC1 (TSC complex subunit 1; minus strand). Cytogenetic location: 9q34.13.
Variant type: single nucleotide variant.
Coding change: c.464T>C on transcript NM_000368.5 (MANE Select); coding-DNA position 464, T replaced by C.
Protein change: p.Phe155Ser; replaces phenylalanine 155 with serine.
Molecular consequence: missense variant. On other transcripts: 5 prime UTR variant (5), non-coding transcript variant (5).
Genome position (GRCh38, 1-based): chr9:132,923,392, A>G on the plus strand (T>C on the coding strand, the complement: TSC1 is on the minus strand). VCF-style: chr9-132923392-A-G. GRCh37 (hg19) VCF-style: chr9-135798779-A-G.
Other names: c.101T>C, p.Phe34Ser (NM_001406623.1, NM_001406624.1, NM_001406625.1 and 10 more transcripts); c.-414T>C (NM_001406626.1, NM_001406627.1, NM_001406628.1); c.-556T>C (NM_001406629.1); c.-630T>C (NM_001406630.1); c.464T>C, p.Phe155Ser (NM_001406605.1, NM_001406606.1, NM_001406607.1 and 16 more transcripts); c.311T>C, p.Phe104Ser (NM_001406610.1, NM_001406611.1, NM_001406612.1 and 2 more transcripts); short protein forms F104S, F155S, F34S.
Identifiers: ClinVar variation 3811232 (VCV003811232.2).